The following is an entry in ClinVar:

ClinVar aggregate classification (germline): Conflicting classifications of pathogenicity. Review status: criteria provided, conflicting classifications (1 of 4 stars). 2 submissions from 2 submitters: Likely pathogenic (1); Uncertain significance (1). Last evaluated 2025-05-29.

Conditions:
Congenital cataracts-facial dysmorphism-neuropathy syndrome (CCFDN). Also called: CATARACT, CONGENITAL, WITH FACIAL DYSMORPHISM AND NEUROPATHY; CTDP1-Related Congenital Cataracts, Facial Dysmorphism, and Neuropathy. Identifiers: Orphanet 48431, MedGen C1858726, MONDO:0011402, OMIM 604168.

Submissions (2):

Variantyx, Inc.
Classification: Likely pathogenic for Congenital cataracts-facial dysmorphism-neuropathy syndrome. Last evaluated: 2025-05-29. Review status: criteria provided, single submitter. Criteria: Variantyx Assertion Criteria 2022. Collection method: clinical testing. Allele origin: germline. Inheritance: Autosomal recessive inheritance. Affected: no.
Comment: This is a nonsense variant in the CTDP1 gene (OMIM: 604927). Pathogenic variants in this gene have been associated with autosomal recessive congenital cataracts, facial dysmorphism, and neuropathy. This variant introduces a premature termination codon in exon 8 out of 13 and is expected to result in loss of function, which is likely disease mechanism for CTDP1 in this disorder (PVS1) (PMID:14517542). This variant has a 0.0006% maximum allele frequency in non-founder control populations (PM2)and it has not been previously reported in individuals with CTDP1-related disorders in the databases available for review. Based on the current evidence, this variant is classified as likely pathogenic for autosomal recessive congenital cataracts, facial dysmorphism, and neuropathy.

3billion
Classification: Uncertain significance for Congenital cataracts-facial dysmorphism-neuropathy syndrome. Last evaluated: 2025-05-08. Review status: criteria provided, single submitter. Criteria: ACMG Guidelines, 2015. Collection method: clinical testing. Allele origin: germline. Affected: yes.
Comment: The variant is observed at an extremely low frequency in the gnomAD v4.1.0 dataset (total allele frequency: <0.001%). Predicted Consequence/Location: Stop gained (nonsense) variant. However, Loss-of-function (LoF) variants are not yet known to be disease-causing for this gene. Therefore, this variant is classified as VUS according to the recommendation of ACMG/AMP guideline.

Literature cited by the submitters: PubMed 14517542 (cited by Variantyx, Inc.).

NM_004715.5(CTDP1):c.2062C>T (p.Arg688Ter)

Gene: CTDP1 (CTD phosphatase subunit 1; plus strand). Cytogenetic location: 18q23.
Variant type: single nucleotide variant.
Coding change: c.2062C>T on transcript NM_004715.5 (MANE Select); coding-DNA position 2062, C replaced by T.
Protein change: p.Arg688Ter; replaces arginine 688 with a stop codon.
Molecular consequence: nonsense.
Genome position (GRCh38, 1-based): chr18:79,715,522, C>T. VCF-style: chr18-79715522-C-T. GRCh37 (hg19) VCF-style: chr18-77475522-C-T.
Other names: c.1705C>T, p.Arg569Ter (NM_001202504.1); c.2062C>T, p.Arg688Ter (NM_001318511.2, NM_048368.4); short protein forms R569*, R688*.
Identifiers: ClinVar variation 4850761 (VCV004850761.2).